The following is an entry in ClinVar:

ClinVar aggregate classification (germline): Conflicting classifications of pathogenicity. Review status: criteria provided, conflicting classifications (1 of 4 stars). 2 submissions from 2 submitters: Uncertain significance (1); Likely benign (1). Last evaluated 2023-03-08.

Conditions:
Gorlin syndrome. Also called: Nevoid Basal Cell Carcinoma Syndrome; Basal cell nevus syndrome. Identifiers: Orphanet 377, MedGen C0004779, MONDO:0007187.
Hereditary cancer-predisposing syndrome. Also called: Hereditary Cancer Syndrome; Hereditary neoplastic syndrome; Neoplastic Syndromes, Hereditary; Tumor predisposition. Identifiers: Orphanet 140162, MedGen C0027672, MeSH D009386, MONDO:0015356.

Allele frequency attached by ClinVar (database versions not stated): ExAC 0.00001.
gnomAD v4.1: 1 of 1,613,970 alleles (0.000062%); no homozygotes.

Submissions (2):

Labcorp Genetics (formerly Invitae), Labcorp
Classification: Likely benign for Gorlin syndrome. Last evaluated: 2023-03-08. Review status: criteria provided, single submitter. Criteria: Invitae Variant Classification Sherloc (09022015). Collection method: clinical testing. Allele origin: germline.

Ambry Genetics
Classification: Uncertain significance for Hereditary cancer-predisposing syndrome. Last evaluated: 2023-01-19. Review status: criteria provided, single submitter. Criteria: Ambry Variant Classification Scheme 2023. Collection method: clinical testing. Allele origin: germline.
Comment: The p.V662A variant (also known as c.1985T>C), located in coding exon 14 of the PTCH1 gene, results from a T to C substitution at nucleotide position 1985. The valine at codon 662 is replaced by alanine, an amino acid with similar properties. This amino acid position is conserved. In addition, this alteration is predicted to be deleterious by in silico analysis. Since supporting evidence is limited at this time, the clinical significance of this alteration remains unclear.

NM_000264.5(PTCH1):c.1985T>C (p.Val662Ala)

Genes: PTCH1 (patched 1; minus strand), LOC100507346 (uncharacterized LOC100507346; plus strand). Cytogenetic location: 9q22.32.
Variant type: single nucleotide variant.
Coding change: c.1985T>C on transcript NM_000264.5 (MANE Select); coding-DNA position 1985, T replaced by C.
Protein change: p.Val662Ala; replaces valine 662 with alanine.
Molecular consequence: missense variant. On other transcripts: non-coding transcript variant (2).
Genome position (GRCh38, 1-based): chr9:95,469,016, A>G on the plus strand (T>C on the coding strand, the complement: PTCH1 is on the minus strand). VCF-style: chr9-95469016-A-G. GRCh37 (hg19) VCF-style: chr9-98231298-A-G.
Other names: c.1787T>C, p.Val596Ala (NM_001083602.3); c.1982T>C, p.Val661Ala (NM_001083603.3); c.1532T>C, p.Val511Ala (NM_001083604.3, NM_001083605.3, NM_001083606.3 and 1 more transcripts); c.1829T>C, p.Val610Ala (NM_001354918.2); short protein forms V511A, V596A, V662A, V661A, V610A.
Identifiers: ClinVar variation 2843745 (VCV002843745.4), dbSNP rs756263511, ClinGen allele CA5138471.